The following is an entry in ClinVar:

ClinVar aggregate classification (germline): Pathogenic. Review status: criteria provided, multiple submitters, no conflicts (2 of 4 stars). 3 submissions from 3 submitters: Pathogenic (3). Last evaluated 2024-02-24.

Conditions:
Microcephaly 5, primary, autosomal recessive (MCPH5). Also called: ASPM Primary Microcephaly. Identifiers: Orphanet 2512, MedGen C1837501, MONDO:0012106, OMIM 608716.

Allele frequency attached by ClinVar (database versions not stated): gnomAD exomes below 0.00001; TOPMed below 0.00001.
gnomAD v4.1: 12 of 1,612,642 alleles (0.00074%); highest among the groups gnomAD compares: South Asian, 0.0011%; no homozygotes.

Submissions (3):

Labcorp Genetics (formerly Invitae), Labcorp
Classification: Pathogenic. Last evaluated: 2024-02-24. Review status: criteria provided, single submitter. Criteria: Invitae Variant Classification Sherloc (09022015). Collection method: clinical testing. Allele origin: germline.
Comment: This sequence change creates a premature translational stop signal (p.Arg2332*) in the ASPM gene. It is expected to result in an absent or disrupted protein product. Loss-of-function variants in ASPM are known to be pathogenic (PMID: 19028728, 23611254). The frequency data for this variant in the population databases is considered unreliable, as metrics indicate poor data quality at this position in the gnomAD database. This premature translational stop signal has been observed in individual(s) with primary microcephaly (PMID: 20679666). ClinVar contains an entry for this variant (Variation ID: 1029675). For these reasons, this variant has been classified as Pathogenic.

Genome-Nilou Lab
Classification: Pathogenic for Microcephaly 5, primary, autosomal recessive. Last evaluated: 2023-04-11. Review status: criteria provided, single submitter. Criteria: ACMG Guidelines, 2015. Collection method: clinical testing. Allele origin: germline. Affected: no.

Baylor Genetics
Classification: Pathogenic for Microcephaly 5, primary, autosomal recessive. Last evaluated: 2020-01-16. Review status: criteria provided, single submitter. Criteria: ACMG Guidelines, 2015. Collection method: clinical testing. Allele origin: unknown. Affected: yes.
Comment: This variant was determined to be pathogenic according to ACMG Guidelines, 2015 [PMID:25741868].

Literature cited by the submitters: PubMed 19028728 (cited by Labcorp Genetics (formerly Invitae), Labcorp); PubMed 23611254 (cited by Labcorp Genetics (formerly Invitae), Labcorp); PubMed 20679666 (cited by Labcorp Genetics (formerly Invitae), Labcorp).

NM_018136.5(ASPM):c.6994C>T (p.Arg2332Ter)

Gene: ASPM (assembly factor for spindle microtubules; minus strand). Cytogenetic location: 1q31.3.
Variant type: single nucleotide variant.
Coding change: c.6994C>T on transcript NM_018136.5 (MANE Select); coding-DNA position 6994, C replaced by T.
Protein change: p.Arg2332Ter; replaces arginine 2332 with a stop codon.
Molecular consequence: nonsense. On other transcripts: intron variant (1).
Genome position (GRCh38, 1-based): chr1:197,102,257, G>A on the plus strand (C>T on the coding strand, the complement: ASPM is on the minus strand). VCF-style: chr1-197102257-G-A. GRCh37 (hg19) VCF-style: chr1-197071387-G-A.
Other names: c.4066-6093C>T (NM_001206846.2); short protein forms R2332*.
Identifiers: ClinVar variation 1029675 (VCV001029675.9), dbSNP rs1451306414, ClinGen allele CA344020672.